The following is an entry in ClinVar:

ClinVar aggregate classification (germline): Uncertain significance. Review status: criteria provided, multiple submitters, no conflicts (2 of 4 stars). 2 submissions from 2 submitters: Uncertain significance (2). Last evaluated 2025-02-06.

Conditions:
Inborn genetic diseases. Identifiers: MedGen C0950123, MeSH D030342.

Allele frequency attached by ClinVar (database versions not stated): TOPMed 0.00001; gnomAD 0.00002; ESP Exome Variant Server 0.00008.
gnomAD v4.1: 12 of 1,610,352 alleles (0.00075%); highest among the groups gnomAD compares: Non-Finnish European, 0.001%; no homozygotes.

Submissions (2):

Women's Health and Genetics/Laboratory Corporation of America, LabCorp
Classification: Uncertain significance. Last evaluated: 2025-02-06. Review status: criteria provided, single submitter. Criteria: LabCorp Variant Classification Summary - May 2015. Collection method: clinical testing. Allele origin: germline.
Comment: Variant summary: ACOX1 c.94C>G (p.Arg32Gly) results in a non-conservative amino acid change located in the peroxisomal acyl-CoA oxidase domain (IPR034171) of the encoded protein sequence. Three of five in-silico tools predict a benign effect of the variant on protein function. The variant allele was found at a frequency of 8.1e-06 in 248304 control chromosomes. The available data on variant occurrences in the general population are insufficient to allow any conclusion about variant significance. To our knowledge, no occurrence of c.94C>G in individuals affected with Pseudoneonatal Adrenoleukodystrophy and no experimental evidence demonstrating its impact on protein function have been reported. ClinVar contains an entry for this variant (Variation ID: 2230018). Based on the evidence outlined above, the variant was classified as uncertain significance.

Ambry Genetics
Classification: Uncertain significance for Inborn genetic diseases. Last evaluated: 2021-08-02. Review status: criteria provided, single submitter. Criteria: Ambry Variant Classification Scheme 2023. Collection method: clinical testing. Allele origin: germline.

NM_004035.7(ACOX1):c.94C>G (p.Arg32Gly)

Gene: ACOX1 (acyl-CoA oxidase 1; minus strand). Cytogenetic location: 17q25.1.
Variant type: single nucleotide variant.
Coding change: c.94C>G on transcript NM_004035.7 (MANE Select); coding-DNA position 94, C replaced by G.
Protein change: p.Arg32Gly; replaces arginine 32 with glycine.
Molecular consequence: missense variant. On other transcripts: 5 prime UTR variant (1).
Genome position (GRCh38, 1-based): chr17:75,978,980, G>C on the plus strand (C>G on the coding strand, the complement: ACOX1 is on the minus strand). VCF-style: chr17-75978980-G-C. GRCh37 (hg19) VCF-style: chr17-73975061-G-C.
Other names: c.-195C>G (NM_001185039.2); c.94C>G, p.Arg32Gly (NM_007292.6); short protein forms R32G.
Identifiers: ClinVar variation 2230018 (VCV002230018.3), dbSNP rs369138672, ClinGen allele CA8777160.